The following is an entry in ClinVar:

ClinVar aggregate classification (germline): Uncertain significance (1 of 4 stars; one submission).

Conditions:
Colorectal cancer, susceptibility to, 12 (CRCS12). Also called: COLORECTAL CANCER, SUSCEPTIBILITY TO, ON CHROMOSOME 12q24. Identifiers: Orphanet 220460, MedGen C3554460, MONDO:0014038, OMIM 615083.

Submission:

Labcorp Genetics (formerly Invitae), Labcorp
Classification: Uncertain significance for Colorectal cancer, susceptibility to, 12. Last evaluated: 2018-06-25. Review status: criteria provided, single submitter. Criteria: Invitae Variant Classification Sherloc (09022015). Collection method: clinical testing. Allele origin: germline.
Comment: This variant, c.3590delinsGGTCTGA, results in the deletion of the methionine residue at codon 1197 and the insertion of 3 amino acid residues to the POLE protein (p.Met1197delinsArgSerGlu), but otherwise preserves the integrity of the reading frame. This variant is not present in population databases (ExAC no frequency). This variant has not been reported in the literature in individuals with POLE-related disease. ClinVar contains an entry for this variant (Variation ID: 473606). Experimental studies and prediction algorithms are not available for this variant, and the functional significance of the inserted amino acid residues is currently unknown. In summary, the available evidence is currently insufficient to determine the role of this variant in disease. Therefore, it has been classified as a Variant of Uncertain Significance.

NM_006231.4(POLE):c.3589_3590insGGTC (p.Met1197fs)

Gene: POLE (DNA polymerase epsilon, catalytic subunit; minus strand). Cytogenetic location: 12q24.33.
Variant type: Insertion.
Coding change: c.3589_3590insGGTC on transcript NM_006231.4 (MANE Select); coding-DNA positions 3589 to 3590, GGTC inserted.
Protein change: p.Met1197fs; shifts the reading frame from methionine 1197.
Molecular consequence: frameshift variant.
Genome position: GRCh38 VCF-style: chr12-132649882-A-AGACC. GRCh37 (hg19) VCF-style: chr12-133226468-A-AGACC.
Other names: short protein forms M1197fs.
Identifiers: ClinVar variation 1062611 (VCV001062611.2), dbSNP rs2138615789, ClinGen allele CA2499221520.
Genomic context (GRCh38, chr12:132,649,882, plus strand): 5'-AGGCCGAAGTCCTCCATGTCAGGAGCACTTGGCCTCGGACTGTCTTCTGAGGCCTCGGCC[A>AGACC]TCGTGACCTGGAAAGACCCAGTGAAGCCTTAAATCTCAGGATCTCGGGCTGCGCAGGGTG-3'